The following is an entry in ClinVar:

ClinVar aggregate classification (germline): Conflicting classifications of pathogenicity. Review status: criteria provided, conflicting classifications (1 of 4 stars). 2 submissions from 2 submitters: Uncertain significance (1); Likely benign (1). Last evaluated 2025-06-08.

Conditions:
Hereditary cancer-predisposing syndrome. Also called: Neoplastic Syndromes, Hereditary; Tumor predisposition; Hereditary neoplastic syndrome; Hereditary Cancer Syndrome. Identifiers: Orphanet 140162, MedGen C0027672, MeSH D009386, MONDO:0015356.

Allele frequency attached by ClinVar (database versions not stated): gnomAD exomes below 0.00001; gnomAD 0.00001; TOPMed 0.00001.
gnomAD v4.1: 3 of 1,505,766 alleles (0.0002%); highest among the groups gnomAD compares: Non-Finnish European, 0.00027%; no homozygotes.

Submissions (2):

Labcorp Genetics (formerly Invitae), Labcorp
Classification: Uncertain significance. Last evaluated: 2025-06-08. Review status: criteria provided, single submitter. Criteria: Invitae Variant Classification Sherloc (09022015). Collection method: clinical testing. Allele origin: germline.
Comment: This sequence change replaces serine, which is neutral and polar, with asparagine, which is neutral and polar, at codon 5 of the POLE protein (p.Ser5Asn). This variant is not present in population databases (gnomAD no frequency). This variant has not been reported in the literature in individuals affected with POLE-related conditions. ClinVar contains an entry for this variant (Variation ID: 840559). An algorithm developed to predict the effect of missense changes on protein structure and function outputs the following: PolyPhen-2: "Not Available". The asparagine amino acid residue is found in multiple mammalian species, which suggests that this missense change does not adversely affect protein function. In summary, the available evidence is currently insufficient to determine the role of this variant in disease. Therefore, it has been classified as a Variant of Uncertain Significance.

Ambry Genetics
Classification: Likely benign for Hereditary cancer-predisposing syndrome. Last evaluated: 2025-03-30. Review status: criteria provided, single submitter. Criteria: Ambry Variant Classification Scheme 2023. Collection method: clinical testing. Allele origin: germline.

NM_006231.4(POLE):c.14G>A (p.Ser5Asn)

Genes: POLE (DNA polymerase epsilon, catalytic subunit; minus strand), LOC130009266 (ATAC-STARR-seq lymphoblastoid silent region 5123; plus strand). Cytogenetic location: 12q24.33.
Variant type: single nucleotide variant.
Coding change: c.14G>A on transcript NM_006231.4 (MANE Select); coding-DNA position 14, G replaced by A.
Protein change: p.Ser5Asn; replaces serine 5 with asparagine.
Molecular consequence: missense variant.
Genome position (GRCh38, 1-based): chr12:132,687,302, C>T on the plus strand (G>A on the coding strand, the complement: POLE is on the minus strand). VCF-style: chr12-132687302-C-T. GRCh37 (hg19) VCF-style: chr12-133263888-C-T.
Other names: c.14G>A (NM_006231.2); short protein forms S5N.
Identifiers: ClinVar variation 840559 (VCV000840559.11), dbSNP rs1167872104, ClinGen allele CA387373521.